The following is an entry in ClinVar:

NM_012418.4(FSCN2):c.1348G>A (p.Val450Ile)

Gene: FSCN2 (fascin actin-bundling protein 2, retinal; plus strand). Cytogenetic location: 17q25.3.
Variant type: single nucleotide variant.
Coding change: c.1348G>A on transcript NM_012418.4 (MANE Select); coding-DNA position 1348, G replaced by A.
Protein change: p.Val450Ile; replaces valine 450 with isoleucine.
Molecular consequence: missense variant.
Genome position (GRCh38, 1-based): chr17:81,536,949, G>A. VCF-style: chr17-81536949-G-A. GRCh37 (hg19) VCF-style: chr17-79503975-G-A.
Other names: c.1420G>A, p.Val474Ile (NM_001077182.3); short protein forms V474I, V450I.
Identifiers: ClinVar variation 953697 (VCV000953697.10), dbSNP rs768433327, ClinGen allele CA8837120.

ClinVar aggregate classification (germline): Uncertain significance. Review status: criteria provided, multiple submitters, no conflicts (2 of 4 stars). 2 submissions from 2 submitters: Uncertain significance (2). Last evaluated 2025-07-03.

Allele frequency attached by ClinVar (database versions not stated): gnomAD 0.00001; TOPMed 0.00003; ExAC 0.00006; gnomAD exomes 0.00006.
gnomAD v4.1: 125 of 1,566,242 alleles (0.008%); highest among the groups gnomAD compares: Non-Finnish European, 0.0096%; no homozygotes.

Submissions (2):

Labcorp Genetics (formerly Invitae), Labcorp
Classification: Uncertain significance. Last evaluated: 2025-07-03. Review status: criteria provided, single submitter. Criteria: Invitae Variant Classification Sherloc (09022015). Collection method: clinical testing. Allele origin: germline.
Comment: This sequence change replaces valine, which is neutral and non-polar, with isoleucine, which is neutral and non-polar, at codon 474 of the FSCN2 protein (p.Val474Ile). This variant is present in population databases (rs768433327, gnomAD 0.01%). This variant has not been reported in the literature in individuals affected with FSCN2-related conditions. ClinVar contains an entry for this variant (Variation ID: 953697). An algorithm developed to predict the effect of missense changes on protein structure and function (PolyPhen-2) suggests that this variant is likely to be tolerated. In summary, the available evidence is currently insufficient to determine the role of this variant in disease. Therefore, it has been classified as a Variant of Uncertain Significance.

Ambry Genetics
Classification: Uncertain significance. Last evaluated: 2021-07-06. Review status: criteria provided, single submitter. Criteria: Ambry Variant Classification Scheme 2023. Collection method: clinical testing. Allele origin: germline.